The following is an entry in ClinVar:

ClinVar aggregate classification (germline): Pathogenic/Likely pathogenic. Review status: criteria provided, multiple submitters, no conflicts (2 of 4 stars). 3 submissions from 3 submitters: Pathogenic (1); Likely pathogenic (1). 1 of the submissions does not count toward it. Last evaluated 2020-07-10.

Conditions:
Myopathy, lactic acidosis, and sideroblastic anemia 2 (MLASA2). Identifiers: Orphanet 2598, MedGen C3150802, MONDO:0013307, OMIM 613561.

Allele frequency attached by ClinVar (database versions not stated): TOPMed below 0.00001.
gnomAD v4.1: 5 of 1,614,226 alleles (0.00031%); highest among the groups gnomAD compares: Middle Eastern, 0.049%; no homozygotes.

Submissions (3):

GeneDx
Classification: Pathogenic. Last evaluated: 2020-07-10. Review status: criteria provided, single submitter. Criteria: GeneDx Variant Classification Process June 2021. Collection method: clinical testing. Allele origin: germline. Affected: yes.
Comment: Functional studies have demonstrated that F52L results in reduced mitochondrial tRNATyr aminoacylation activity and reduces the affinity of the mutant protein for tRNATyr, leading to reduced mitochondrial protein synthesis (Riley et al., 2010); In silico analysis, which includes protein predictors and evolutionary conservation, supports a deleterious effect; Not observed at a significant frequency in large population cohorts (Lek et al., 2016); This variant is associated with the following publications: (PMID: 20598274, 24344687, 23918765, 30026338)

Broad Center for Mendelian Genomics, Broad Institute of MIT and Harvard
Classification: Likely pathogenic for Myopathy, lactic acidosis, and sideroblastic anemia 2. Last evaluated: 2018-12-03. Review status: criteria provided, single submitter. Criteria: ACMG Guidelines, 2015. Collection method: research. Allele origin: germline. Inheritance: Autosomal recessive inheritance. Affected: yes.
Comment: The p.Phe52Leu variant in YARS2 has been reported in 9 Lebanese individuals with myopathy, lactic acidosis, and sideroblastic anemia, segregated with disease in 4 affected relatives from 2 families (PMID: 24344687, 20598274, 23918765, 30026338), and was been identified in 0.0008957% (1/111650) of European (non-Finnish) chromosomes by the Genome Aggregation Database (gnomAD; dbSNP rs267607180). Although this variant has been seen in the general population, its frequency is low enough to be consistent with a recessive carrier frequency. This variant has been reported pathogenic in ClinVar (Variation ID: 1056). Computational prediction tools and conservation analyses do not provide strong support for or against an impact to the protein. In vitro functional studies provide some evidence that the p.Phe52Leu variant may impact protein function due to a deleterious effect on tRNATyr aminoacylation and mitochrondrial protein synthesis, which may explain the reduced levels of mitochondrial proteins in muscle cells from affected individuals (PMID: 20598274). However, these types of assays may not accurately represent biological function. In summary, although more studies are required to fully establish its clinical significance, the p.Phe52Leu variant is likely pathogenic. ACMG/AMP Criteria applied: PM2, PP1_Moderate, PS3 (Richards 2015).

OMIM
Classification: Pathogenic for MYOPATHY, LACTIC ACIDOSIS, AND SIDEROBLASTIC ANEMIA 2. Last evaluated: 2013-12-17. Review status: no assertion criteria provided. Collection method: literature only. Allele origin: germline. Not counted in ClinVar's aggregate classification.

Literature cited by the submitters: PubMed 24344687 (cited by Broad Center for Mendelian Genomics, Broad Institute of MIT and Harvard and OMIM); PubMed 20598274 (cited by Broad Center for Mendelian Genomics, Broad Institute of MIT and Harvard and OMIM); PubMed 23918765 (cited by Broad Center for Mendelian Genomics, Broad Institute of MIT and Harvard and OMIM); PubMed 30026338 (cited by Broad Center for Mendelian Genomics, Broad Institute of MIT and Harvard).

NM_001040436.3(YARS2):c.156C>G (p.Phe52Leu)

Gene: YARS2 (tyrosyl-tRNA synthetase 2; minus strand). Cytogenetic location: 12p11.21.
Variant type: single nucleotide variant.
Coding change: c.156C>G on transcript NM_001040436.3 (MANE Select); coding-DNA position 156, C replaced by G.
Protein change: p.Phe52Leu; replaces phenylalanine 52 with leucine.
Molecular consequence: missense variant.
Genome position (GRCh38, 1-based): chr12:32,755,719, G>C on the plus strand (C>G on the coding strand, the complement: YARS2 is on the minus strand). VCF-style: chr12-32755719-G-C. GRCh37 (hg19) VCF-style: chr12-32908653-G-C.
Other names: short protein forms F52L.
Identifiers: ClinVar variation 1056 (VCV000001056.5), dbSNP rs267607180, ClinGen allele CA114728.